The following is an entry in ClinVar:

ClinVar aggregate classification (germline): Uncertain significance. Review status: criteria provided, multiple submitters, no conflicts (2 of 4 stars). 2 submissions from 2 submitters: Uncertain significance (2). Last evaluated 2024-10-08.

Conditions:
ALG8 congenital disorder of glycosylation. Also called: CONGENITAL DISORDER OF GLYCOSYLATION, TYPE Ih; CDG Ih; ALG8-CDG. Identifiers: Orphanet 79325, MedGen C2931002, MONDO:0011969, OMIM 608104.

Allele frequency attached by ClinVar (database versions not stated): gnomAD 0.00001; gnomAD exomes 0.00001; ExAC 0.00003; 1000 Genomes Project 30x 0.00016; 1000 Genomes Project 0.00020.

Submissions (2):

Labcorp Genetics (formerly Invitae), Labcorp
Classification: Uncertain significance for ALG8 congenital disorder of glycosylation. Last evaluated: 2024-10-08. Review status: criteria provided, single submitter. Criteria: Invitae Variant Classification Sherloc (09022015). Collection method: clinical testing. Allele origin: germline.
Comment: This sequence change replaces methionine, which is neutral and non-polar, with isoleucine, which is neutral and non-polar, at codon 186 of the ALG8 protein (p.Met186Ile). This variant is present in population databases (rs531760134, gnomAD 0.01%). This variant has not been reported in the literature in individuals affected with ALG8-related conditions. ClinVar contains an entry for this variant (Variation ID: 2438996). Invitae Evidence Modeling of protein sequence and biophysical properties (such as structural, functional, and spatial information, amino acid conservation, physicochemical variation, residue mobility, and thermodynamic stability) indicates that this missense variant is not expected to disrupt ALG8 protein function with a negative predictive value of 80%. In summary, the available evidence is currently insufficient to determine the role of this variant in disease. Therefore, it has been classified as a Variant of Uncertain Significance.

Revvity Omics, Revvity
Classification: Uncertain significance. Last evaluated: 2021-12-07. Review status: criteria provided, single submitter. Criteria: ACMG Guidelines, 2015. Collection method: clinical testing. Allele origin: germline.

NM_024079.5(ALG8):c.558G>A (p.Met186Ile)

Gene: ALG8 (ALG8 alpha-1,3-glucosyltransferase; minus strand). Cytogenetic location: 11q14.1.
Variant type: single nucleotide variant.
Coding change: c.558G>A on transcript NM_024079.5 (MANE Select); coding-DNA position 558, G replaced by A.
Protein change: p.Met186Ile; replaces methionine 186 with isoleucine.
Molecular consequence: missense variant.
Genome position (GRCh38, 1-based): chr11:78,114,381, C>T on the plus strand (G>A on the coding strand, the complement: ALG8 is on the minus strand). VCF-style: chr11-78114381-C-T. GRCh37 (hg19) VCF-style: chr11-77825427-C-T.
Other names: c.558G>A, p.Met186Ile (NM_001007027.3); short protein forms M186I.
Identifiers: ClinVar variation 2438996 (VCV002438996.5), dbSNP rs531760134, ClinGen allele CA6203411.